The following is an entry in ClinVar:

NM_000540.3(RYR1):c.6861C>T (p.Ala2287=)

Gene: RYR1 (ryanodine receptor 1; plus strand). Cytogenetic location: 19q13.2.
Variant type: single nucleotide variant.
Coding change: c.6861C>T on transcript NM_000540.3 (MANE Select); coding-DNA position 6861, C replaced by T.
Protein change: p.Ala2287=; no amino-acid change (alanine 2287 retained).
Molecular consequence: synonymous variant.
Genome position (GRCh38, 1-based): chr19:38,496,924, C>T. VCF-style: chr19-38496924-C-T. GRCh37 (hg19) VCF-style: chr19-38987564-C-T.
Other names: c.6861C>T, p.Ala2287= (NM_001042723.2).
Identifiers: ClinVar variation 4823472 (VCV004823472.4).

ClinVar aggregate classification (germline): Likely benign (1 of 4 stars; one submission).

Submission:

CeGaT Center for Human Genetics Tuebingen
Classification: Likely benign. Last evaluated: 2026-02-01. Review status: criteria provided, single submitter. Criteria: CeGaT Center For Human Genetics Tuebingen Variant Classification Criteria Version 2. Collection method: clinical testing. Allele origin: germline. Affected: yes. Observed: 1 variant allele.
Comment: RYR1: BP4, BP7